The following is an entry in ClinVar:

NM_001374828.1(ARID1B):c.2907G>A (p.Met969Ile)

Gene: ARID1B (AT-rich interaction domain 1B; plus strand). Cytogenetic location: 6q25.3.
Variant type: single nucleotide variant.
Coding change: c.2907G>A on transcript NM_001374828.1 (MANE Select); coding-DNA position 2907, G replaced by A.
Protein change: p.Met969Ile; replaces methionine 969 with isoleucine.
Molecular consequence: missense variant.
Genome position (GRCh38, 1-based): chr6:157,148,769, G>A. VCF-style: chr6-157148769-G-A. GRCh37 (hg19) VCF-style: chr6-157469903-G-A.
Other names: c.2697G>A, p.Met899Ile (NM_020732.3); c.408G>A, p.Met136Ile (NM_001363725.2); c.2946G>A, p.Met982Ile (NM_001371656.1, NM_001374820.1); c.2907G>A, p.Met969Ile (NM_017519.3); short protein forms M899I, M136I, M969I, M982I.
Identifiers: ClinVar variation 402393 (VCV000402393.4), dbSNP rs1060499843, ClinGen allele CA16609727.

ClinVar aggregate classification (germline): Uncertain significance (1 of 4 stars; one submission).

Allele frequency attached by ClinVar (database versions not stated): gnomAD exomes below 0.00001.
gnomAD v4.1: 1 of 1,613,264 alleles (0.000062%); highest among the groups gnomAD compares: Middle Eastern, 0.017%; no homozygotes.

Submission:

Laboratory for Molecular Medicine, Mass General Brigham Personalized Medicine
Classification: Uncertain significance. Last evaluated: 2016-03-29. Review status: criteria provided, single submitter. Criteria: LMM Criteria. Collection method: clinical testing. Allele origin: germline.
Comment: Variant identified in a genome or exome case(s) and assessed due to predicted null impact of the variant or pathogenic assertions in the literature or databases. Disclaimer: This variant has not undergone full assessment. The following are preliminary notes: Gene associated with coffin-siris syndrome - features include frequent infection, difficulty feeding, FTT, hypotonia.